The following is an entry in ClinVar:

NM_012330.4(KAT6B):c.4632C>T (p.Ala1544=)

Gene: KAT6B (lysine acetyltransferase 6B; plus strand). Cytogenetic location: 10q22.2.
Variant type: single nucleotide variant.
Coding change: c.4632C>T on transcript NM_012330.4 (MANE Select); coding-DNA position 4632, C replaced by T.
Protein change: p.Ala1544=; no amino-acid change (alanine 1544 retained).
Molecular consequence: synonymous variant.
Genome position (GRCh38, 1-based): chr10:75,029,456, C>T. VCF-style: chr10-75029456-C-T. GRCh37 (hg19) VCF-style: chr10-76789214-C-T.
Other names: c.4083C>T, p.Ala1361= (NM_001256468.2, NM_001370138.1); c.3756C>T, p.Ala1252= (NM_001256469.2, NM_001370139.1, NM_001370140.1 and 2 more transcripts); c.3594C>T, p.Ala1198= (NM_001370132.1); c.2943C>T, p.Ala981= (NM_001370133.1); c.2547C>T, p.Ala849= (NM_001370134.1); c.2289C>T, p.Ala763= (NM_001370135.1); c.4632C>T, p.Ala1544= (NM_001370136.1, NM_001370137.1); c.3567C>T, p.Ala1189= (NM_001370143.1, NM_001370144.1).
Identifiers: ClinVar variation 515515 (VCV000515515.3), dbSNP rs772255130, ClinGen allele CA5565069.

ClinVar aggregate classification (germline): Likely benign. Review status: criteria provided, multiple submitters, no conflicts (2 of 4 stars). 2 submissions from 2 submitters: Likely benign (2). Last evaluated 2025-05-05.

Conditions:
Genitopatellar syndrome (GTPTS). Also called: Genitopatellar syndrome (GPS); ABSENT PATELLAE, SCROTAL HYPOPLASIA, RENAL ANOMALIES, FACIAL DYSMORPHISM, AND MENTAL RETARDATION. Identifiers: Orphanet 85201, MedGen C1853566, MONDO:0011640, OMIM 606170.

Allele frequency attached by ClinVar (database versions not stated): TOPMed below 0.00001; ExAC 0.00001; gnomAD exomes 0.00001.
gnomAD v4.1: 11 of 1,614,104 alleles (0.00068%); highest among the groups gnomAD compares: African/African-American, 0.0027%; no homozygotes.

Submissions (2):

Labcorp Genetics (formerly Invitae), Labcorp
Classification: Likely benign for Genitopatellar syndrome. Last evaluated: 2025-05-05. Review status: criteria provided, single submitter. Criteria: Invitae Variant Classification Sherloc (09022015). Collection method: clinical testing. Allele origin: germline.

GeneDx
Classification: Likely benign. Last evaluated: 2018-02-12. Review status: criteria provided, single submitter. Criteria: GeneDx Variant Classification (06012015). Collection method: clinical testing. Allele origin: germline. Affected: yes.
Comment: This variant is considered likely benign or benign based on one or more of the following criteria: it is a conservative change, it occurs at a poorly conserved position in the protein, it is predicted to be benign by multiple in silico algorithms, and/or has population frequency not consistent with disease.